The following is an entry in ClinVar:

ClinVar aggregate classification (germline): Likely benign. Review status: criteria provided, multiple submitters, no conflicts (2 of 4 stars). 2 submissions from 2 submitters: Likely benign (2). Last evaluated 2023-05-04.

Conditions:
Malignant hyperthermia, susceptibility to, 1 (MHS1). Also called: Anesthesia related hyperthermia; Malignant hyperpyrexia; Fulminating hyperpyrexia; Pharmacogenic myopathy; RYR1-Related Malignant Hyperthermia Susceptibility; Malignant hyperthermia suceptibility 1. Identifiers: Orphanet 423, MedGen C2930980, MONDO:0007783, OMIM 145600.

Allele frequency attached by ClinVar (database versions not stated): gnomAD exomes below 0.00001; TOPMed 0.00001.
gnomAD v4.1: 2 of 1,613,438 alleles (0.00012%); highest among the groups gnomAD compares: Non-Finnish European, 0.000085%; no homozygotes.

Submissions (2):

All of Us Research Program, National Institutes of Health
Classification: Likely benign for Malignant hyperthermia, susceptibility to, 1. Last evaluated: 2023-05-04. Review status: criteria provided, single submitter. Criteria: ACMG Guidelines, 2015. Collection method: clinical testing. Allele origin: germline. Inheritance: Autosomal dominant inheritance. Observed: 1 variant allele, 1 heterozygote.
Comment: This study involves interpretation of variants in research participants for the purpose of population health screening. Participant phenotype was not available at the time of variant classification. Additional details can be found in publication PMID: 35346344, PMCID: PMC8962531

Color Diagnostics, LLC DBA Color Health
Classification: Likely benign for Malignant hyperthermia, susceptibility to, 1. Last evaluated: 2022-11-06. Review status: criteria provided, single submitter. Criteria: ACMG Guidelines, 2015. Collection method: clinical testing. Allele origin: germline.

NM_000540.3(RYR1):c.3024A>G (p.Ala1008=)

Gene: RYR1 (ryanodine receptor 1; plus strand). Cytogenetic location: 19q13.2.
Variant type: single nucleotide variant.
Coding change: c.3024A>G on transcript NM_000540.3 (MANE Select); coding-DNA position 3024, A replaced by G.
Protein change: p.Ala1008=; no amino-acid change (alanine 1008 retained).
Molecular consequence: synonymous variant.
Genome position (GRCh38, 1-based): chr19:38,466,244, A>G. VCF-style: chr19-38466244-A-G. GRCh37 (hg19) VCF-style: chr19-38956884-A-G.
Other names: c.3024A>G, p.Ala1008= (NM_001042723.2).
Identifiers: ClinVar variation 3070832 (VCV003070832.2), dbSNP rs1968097454, ClinGen allele CA507352800.